The following is an entry in ClinVar:

NM_004733.4(SLC33A1):c.192C>T (p.Ala64=)

Gene: SLC33A1 (solute carrier family 33 member 1; minus strand). Cytogenetic location: 3q25.31.
Variant type: single nucleotide variant.
Coding change: c.192C>T on transcript NM_004733.4 (MANE Select); coding-DNA position 192, C replaced by T.
Protein change: p.Ala64=; no amino-acid change (alanine 64 retained).
Molecular consequence: synonymous variant.
Genome position (GRCh38, 1-based): chr3:155,853,806, G>A on the plus strand (C>T on the coding strand, the complement: SLC33A1 is on the minus strand). VCF-style: chr3-155853806-G-A. GRCh37 (hg19) VCF-style: chr3-155571595-G-A.
Other names: c.192C>T, p.Ala64= (NM_001190992.2, NM_001363883.1).
Identifiers: ClinVar variation 3600906 (VCV003600906.1).

ClinVar aggregate classification (germline): Uncertain significance (1 of 4 stars; one submission).

gnomAD v4.1: 22 of 1,611,920 alleles (0.0014%); highest among the groups gnomAD compares: Non-Finnish European, 0.0018%; no homozygotes.

Submission:

GeneDx
Classification: Uncertain significance. Last evaluated: 2024-07-26. Review status: criteria provided, single submitter. Criteria: GeneDx Variant Classification Process June 2021. Collection method: clinical testing. Allele origin: germline. Affected: yes.
Comment: Not observed at significant frequency in large population cohorts (gnomAD); In silico analysis indicates that this variant does not alter splicing; Has not been previously published as pathogenic or benign to our knowledge